The following is an entry in ClinVar:

NM_020207.7(ERCC6L2):c.599T>C (p.Phe200Ser)

Gene: ERCC6L2 (ERCC excision repair 6 like 2; plus strand). Cytogenetic location: 9q22.32.
Variant type: single nucleotide variant.
Coding change: c.599T>C on transcript NM_020207.7 (MANE Select); coding-DNA position 599, T replaced by C.
Protein change: p.Phe200Ser; replaces phenylalanine 200 with serine.
Molecular consequence: missense variant. On other transcripts: non-coding transcript variant (1).
Genome position (GRCh38, 1-based): chr9:95,907,082, T>C. VCF-style: chr9-95907082-T-C. GRCh37 (hg19) VCF-style: chr9-98669364-T-C.
Other names: c.599T>C, p.Phe200Ser (NM_001010895.4, NM_001375291.1, NM_001375292.1 and 2 more transcripts); short protein forms F200S.
Identifiers: ClinVar variation 1337708 (VCV001337708.10), dbSNP rs61748989, ClinGen allele CA5139347.

ClinVar aggregate classification (germline): Conflicting classifications of pathogenicity. Review status: criteria provided, conflicting classifications (1 of 4 stars). 4 submissions from 4 submitters: Uncertain significance (3); Likely benign (1). Last evaluated 2025-10-27.

Conditions:
Hereditary cancer. Identifiers: MedGen C1333600.
Inborn genetic diseases. Identifiers: MedGen C0950123, MeSH D030342.

Allele frequency attached by ClinVar (database versions not stated): gnomAD exomes 0.00002 and 0.00007; ExAC 0.00008; 1000 Genomes Project 30x 0.00031; ESP Exome Variant Server 0.00031; 1000 Genomes Project 0.00040.
gnomAD v4.1: 68 of 1,596,450 alleles (0.0043%); highest among the groups gnomAD compares: African/African-American, 0.087%; no homozygotes.

Submissions (4):

Labcorp Genetics (formerly Invitae), Labcorp
Classification: Uncertain significance. Last evaluated: 2025-10-27. Review status: criteria provided, single submitter. Criteria: Invitae Variant Classification Sherloc (09022015). Collection method: clinical testing. Allele origin: germline.
Comment: This sequence change replaces phenylalanine, which is neutral and non-polar, with serine, which is neutral and polar, at codon 211 of the ERCC6L2 protein (p.Phe211Ser). This variant is present in population databases (rs61748989, gnomAD 0.1%). This variant has not been reported in the literature in individuals affected with ERCC6L2-related conditions. ClinVar contains an entry for this variant (Variation ID: 1337708). Experimental studies and prediction algorithms are not available or were not evaluated, and the functional significance of this variant is currently unknown. In summary, the available evidence is currently insufficient to determine the role of this variant in disease. Therefore, it has been classified as a Variant of Uncertain Significance.

Mendelics
Classification: Likely benign for Hereditary cancer. Last evaluated: 2025-02-26. Review status: criteria provided, single submitter. Criteria: ACMG Guidelines, 2015. Collection method: clinical testing. Allele origin: unknown.
Comment: This variant is considered likely benign or benign based on one or more of the following: it is predicted to be benign by multiple in silico algorithms, and/or has population frequency not consistent with disease, and/or has normal protein function, and/or has lack of segregation with disease, and/or has been detected in co-occurrence with known pathogenic variant, and/or has lack of disease association in case-control studies, and/or is located in a region inconsistent with a known cause of pathogenicity.

Ambry Genetics
Classification: Uncertain significance for Inborn genetic diseases. Last evaluated: 2024-10-17. Review status: criteria provided, single submitter. Criteria: Ambry Variant Classification Scheme 2023. Collection method: clinical testing. Allele origin: germline.
Comment: The p.F200S variant (also known as c.599T>C), located in coding exon 4 of the ERCC6L2 gene, results from a T to C substitution at nucleotide position 599. The phenylalanine at codon 200 is replaced by serine, an amino acid with highly dissimilar properties. This amino acid position is conserved. In addition, this alteration is predicted to be deleterious by in silico analysis. Based on the available evidence, the clinical significance of this variant remains unclear.

Genetic Services Laboratory, University of Chicago
Classification: Uncertain significance. Last evaluated: 2020-10-07. Review status: criteria provided, single submitter. Criteria: ACMG Guidelines, 2015. Collection method: clinical testing. Allele origin: germline. Affected: no.
Comment: DNA sequence analysis of the ERCC6L2 gene demonstrated a sequence change, c.632T>C, in exon 4 that results in an amino acid change, p.Phe211Ser. This sequence change does not appear to have been previously described in patients with ERCC6L2-related disorders and has been described in the gnomAD database with a frequency of 0.1% in the African sub-population (dbSNP rs61748989). The p.Phe211Ser change affects a moderately conserved amino acid residue located in a domain of the ERCC6L2 protein that is not known to be functional. In-silico pathogenicity prediction tools (SIFT, PolyPhen2, Align GVGD, REVEL) provide contradictory results for the p.Phe211Ser substitution. Due to these contrasting evidences and the lack of functional studies, the clinical significance of the p.Phe211Ser change remains unknown at this time.